The following is an entry in ClinVar:

ClinVar aggregate classification (germline): Uncertain significance (1 of 4 stars; one submission).

Allele frequency attached by ClinVar (database versions not stated): gnomAD 0.00001; TOPMed 0.00001.

Submission:

Labcorp Genetics (formerly Invitae), Labcorp
Classification: Uncertain significance. Last evaluated: 2022-07-06. Review status: criteria provided, single submitter. Criteria: Invitae Variant Classification Sherloc (09022015). Collection method: clinical testing. Allele origin: germline.
Comment: In summary, the available evidence is currently insufficient to determine the role of this variant in disease. Therefore, it has been classified as a Variant of Uncertain Significance. Advanced modeling of protein sequence and biophysical properties (such as structural, functional, and spatial information, amino acid conservation, physicochemical variation, residue mobility, and thermodynamic stability) performed at Invitae indicates that this missense variant is not expected to disrupt COL9A1 protein function. This variant has not been reported in the literature in individuals affected with COL9A1-related conditions. This variant is not present in population databases (gnomAD no frequency). This sequence change replaces valine, which is neutral and non-polar, with methionine, which is neutral and non-polar, at codon 348 of the COL9A1 protein (p.Val348Met).

NM_001851.6(COL9A1):c.1042G>A (p.Val348Met)

Gene: COL9A1 (collagen type IX alpha 1 chain; minus strand). Cytogenetic location: 6q13.
Variant type: single nucleotide variant.
Coding change: c.1042G>A on transcript NM_001851.6 (MANE Select); coding-DNA position 1042, G replaced by A.
Protein change: p.Val348Met; replaces valine 348 with methionine.
Molecular consequence: missense variant. On other transcripts: non-coding transcript variant (1).
Genome position (GRCh38, 1-based): chr6:70,274,070, C>T on the plus strand (G>A on the coding strand, the complement: COL9A1 is on the minus strand). VCF-style: chr6-70274070-C-T. GRCh37 (hg19) VCF-style: chr6-70983773-C-T.
Other names: c.313G>A, p.Val105Met (NM_001377289.1, NM_001377290.1, NM_078485.4); short protein forms V105M, V348M.
Identifiers: ClinVar variation 2116476 (VCV002116476.4), dbSNP rs910301741, ClinGen allele CA140818065.